The following is an entry in ClinVar:

NM_148919.4(PSMB8):c.316G>A (p.Val106Met)

Gene: PSMB8 (proteasome 20S subunit beta 8; minus strand). Cytogenetic location: 6p21.32.
Variant type: single nucleotide variant.
Coding change: c.316G>A on transcript NM_148919.4 (MANE Select); coding-DNA position 316, G replaced by A.
Protein change: p.Val106Met; replaces valine 106 with methionine.
Molecular consequence: missense variant.
Genome position (GRCh38, 1-based): chr6:32,842,763, C>T on the plus strand (G>A on the coding strand, the complement: PSMB8 is on the minus strand). VCF-style: chr6-32842763-C-T. GRCh37 (hg19) VCF-style: chr6-32810540-C-T.
Other names: c.304G>A, p.Val102Met (NM_004159.5); short protein forms V102M, V106M.
Identifiers: ClinVar variation 963066 (VCV000963066.10), dbSNP rs1254158106, ClinGen allele CA363589261.

ClinVar aggregate classification (germline): Uncertain significance (1 of 4 stars; one submission).

Conditions:
Proteosome-associated autoinflammatory syndrome. Also called: Proteasome-associated autoinflammatory syndrome. Identifiers: Orphanet 324977, MedGen C1850568, MONDO:0009726.

Allele frequency attached by ClinVar (database versions not stated): gnomAD exomes below 0.00001; gnomAD 0.00001; TOPMed 0.00001.
gnomAD v4.1: 5 of 1,614,094 alleles (0.00031%); highest among the groups gnomAD compares: Non-Finnish European, 0.00042%; no homozygotes.

Submission:

Labcorp Genetics (formerly Invitae), Labcorp
Classification: Uncertain significance for Proteosome-associated autoinflammatory syndrome. Last evaluated: 2019-07-17. Review status: criteria provided, single submitter. Criteria: Invitae Variant Classification Sherloc (09022015). Collection method: clinical testing. Allele origin: germline.
Comment: This sequence change replaces valine with methionine at codon 106 of the PSMB8 protein (p.Val106Met). The valine residue is highly conserved and there is a small physicochemical difference between valine and methionine. This variant is not present in population databases (ExAC no frequency). This variant has not been reported in the literature in individuals with PSMB8-related conditions. Algorithms developed to predict the effect of missense changes on protein structure and function are either unavailable or do not agree on the potential impact of this missense change (SIFT: "Deleterious"; PolyPhen-2: "Probably Damaging"; Align-GVGD: "Class C0"). In summary, the available evidence is currently insufficient to determine the role of this variant in disease. Therefore, it has been classified as a Variant of Uncertain Significance.